The following is an entry in ClinVar:

NM_022124.6(CDH23):c.769A>G (p.Ile257Val)

Gene: CDH23 (cadherin related 23; plus strand). Cytogenetic location: 10q22.1.
Variant type: single nucleotide variant.
Coding change: c.769A>G on transcript NM_022124.6 (MANE Select); coding-DNA position 769, A replaced by G.
Protein change: p.Ile257Val; replaces isoleucine 257 with valine.
Molecular consequence: missense variant.
Genome position (GRCh38, 1-based): chr10:71,577,929, A>G. VCF-style: chr10-71577929-A-G. GRCh37 (hg19) VCF-style: chr10-73337686-A-G.
Other names: c.769A>G, p.Ile257Val (NM_001171930.2, NM_001171931.2, NM_001171932.2 and 1 more transcripts); short protein forms I257V.
Identifiers: ClinVar variation 3383500 (VCV003383500.3).
Genomic context (GRCh38, chr10:71,577,929, plus strand): 5'-GCAGCCAGGGGACCCAAACTCAAGTCCCTCCTCTCTTCTGCCCAGGGCACGACGGTGCGC[A>G]TCATCACCGCCATAGACCAGGATAAAGGACGTCCCCGGGGCATTGGCTACACCATCGTTT-3'
Protein context (NP_071407.4, residues 247-267): EHSPPGTTVR[Ile257Val]ITAIDQDKGR

ClinVar aggregate classification (germline): Uncertain significance. Review status: criteria provided, multiple submitters, no conflicts (2 of 4 stars). 3 submissions from 3 submitters: Uncertain significance (3). Last evaluated 2026-06-16.

Conditions:
CDH23-related disorder. Also called: CDH23-related disorders; CDH23-related condition.

Submissions (3):

PreventionGenetics, part of Exact Sciences
Classification: Uncertain significance for CDH23-related condition. Last evaluated: 2026-06-16. Review status: criteria provided, single submitter. Criteria: ACMG Guidelines, 2015. Collection method: clinical testing. Allele origin: germline.
Comment: The CDH23 c.769A>G variant is predicted to result in the amino acid substitution p.Ile257Val. To our knowledge, this variant has not been reported in the literature. This variant is reported in 0.0049% of alleles in individuals of European (Non-Finnish) descent in gnomAD. At this time, the clinical significance of this variant is uncertain due to the absence of conclusive functional and genetic evidence.

Labcorp Genetics (formerly Invitae), Labcorp
Classification: Uncertain significance. Last evaluated: 2025-10-06. Review status: criteria provided, single submitter. Criteria: Invitae Variant Classification Sherloc (09022015). Collection method: clinical testing. Allele origin: germline.
Comment: This sequence change replaces isoleucine, which is neutral and non-polar, with valine, which is neutral and non-polar, at codon 257 of the CDH23 protein (p.Ile257Val). This variant is present in population databases (rs777847196, gnomAD 0.005%). This variant has not been reported in the literature in individuals affected with CDH23-related conditions. ClinVar contains an entry for this variant (Variation ID: 3383500). Invitae Evidence Modeling of protein sequence and biophysical properties (such as structural, functional, and spatial information, amino acid conservation, physicochemical variation, residue mobility, and thermodynamic stability) has been performed for this missense variant. However, the output from this modeling did not meet the statistical confidence thresholds required to predict the impact of this variant on CDH23 protein function. In summary, the available evidence is currently insufficient to determine the role of this variant in disease. Therefore, it has been classified as a Variant of Uncertain Significance.

GeneDx
Classification: Uncertain significance. Last evaluated: 2024-05-28. Review status: criteria provided, single submitter. Criteria: GeneDx Variant Classification Process June 2021. Collection method: clinical testing. Allele origin: germline. Affected: yes.
Comment: Not observed at significant frequency in large population cohorts (gnomAD); In silico analysis indicates that this missense variant does not alter protein structure/function; Has not been previously published as pathogenic or benign to our knowledge